The following is an entry in ClinVar:

NM_001035.3(RYR2):c.6134A>G (p.Glu2045Gly)

Gene: RYR2 (ryanodine receptor 2; plus strand). Cytogenetic location: 1q43.
Variant type: single nucleotide variant.
Coding change: c.6134A>G on transcript NM_001035.3 (MANE Select); coding-DNA position 6134, A replaced by G.
Protein change: p.Glu2045Gly; replaces glutamic acid 2045 with glycine.
Molecular consequence: missense variant.
Genome position (GRCh38, 1-based): chr1:237,625,772, A>G. VCF-style: chr1-237625772-A-G. GRCh37 (hg19) VCF-style: chr1-237789072-A-G.
Other names: c.6134A>G, p.Glu2045Gly (LRG_402t1); short protein forms E2045G.
Identifiers: ClinVar variation 238238 (VCV000238238.15), dbSNP rs878854160, ClinGen allele CA10581777.

ClinVar aggregate classification (germline): Uncertain significance. Review status: criteria provided, multiple submitters, no conflicts (2 of 4 stars). 4 submissions from 4 submitters: Uncertain significance (4). Last evaluated 2026-09-03.

Conditions:
Cardiovascular phenotype. Identifiers: MedGen CN230736.
Cardiomyopathy (CMYO). Also called: Cardiomyopathies. Identifiers: Orphanet 167848, MedGen C0878544, MONDO:0004994, HP:0001638. Inheritance: Various modes of inheritance.
Catecholaminergic polymorphic ventricular tachycardia 1. Also called: RYR2-Related Catecholaminergic Polymorphic Ventricular Tachycardia; VENTRICULAR TACHYCARDIA, CATECHOLAMINERGIC POLYMORPHIC, 1, WITH OR WITHOUT ATRIAL DYSFUNCTION AND/OR DILATED CARDIOMYOPATHY; VENTRICULAR TACHYCARDIA, STRESS-INDUCED POLYMORPHIC 1. Identifiers: Orphanet 3286, MedGen C1631597, MONDO:0011484, OMIM 604772.

Allele frequency attached by ClinVar (database versions not stated): gnomAD exomes 0.00001.
gnomAD v4.1: 3 of 1,613,840 alleles (0.00019%); highest among the groups gnomAD compares: Non-Finnish European, 0.00025%; no homozygotes.

Submissions (4):

Ambry Genetics
Classification: Uncertain significance for Cardiovascular phenotype. Last evaluated: 2026-09-03. Review status: criteria provided, single submitter. Criteria: Ambry Variant Classification Scheme 2023. Collection method: clinical testing. Allele origin: germline.
Comment: The p.E2045G variant (also known as c.6134A>G), located in coding exon 40 of the RYR2 gene, results from an A to G substitution at nucleotide position 6134. The glutamic acid at codon 2045 is replaced by glycine, an amino acid with similar properties. This variant was reported in individual(s) with features consistent with RYR2-related ventricular arrhythmia (Medeiros-Domingo A et al. J Am Coll Cardiol, 2009 Nov;54:2065-74; Kapplinger JD et al. Circ Genom Precis Med, 2018 Feb;11:e001424; Olubando D et al. J Hum Genet, 2020 Jun;65:531-539). This amino acid position is well conserved in available vertebrate species. In addition, this alteration is predicted to be tolerated by in silico analysis. Based on the available evidence, the clinical significance of this variant remains unclear.

Labcorp Genetics (formerly Invitae), Labcorp
Classification: Uncertain significance for Catecholaminergic polymorphic ventricular tachycardia 1. Last evaluated: 2025-12-27. Review status: criteria provided, single submitter. Criteria: Invitae Variant Classification Sherloc (09022015). Collection method: clinical testing. Allele origin: germline.
Comment: This sequence change replaces glutamic acid, which is acidic and polar, with glycine, which is neutral and non-polar, at codon 2045 of the RYR2 protein (p.Glu2045Gly). This variant is not present in population databases (gnomAD no frequency). This missense change has been observed in individual(s) with catecholaminergic polymorphic ventricular tachycardia (CPVT) (PMID: 29453246). ClinVar contains an entry for this variant (Variation ID: 238238). Invitae Evidence Modeling of protein sequence and biophysical properties (such as structural, functional, and spatial information, amino acid conservation, physicochemical variation, residue mobility, and thermodynamic stability) indicates that this missense variant is not expected to disrupt RYR2 protein function with a negative predictive value of 95%. In summary, the available evidence is currently insufficient to determine the role of this variant in disease. Therefore, it has been classified as a Variant of Uncertain Significance.

Color Diagnostics, LLC DBA Color Health
Classification: Uncertain significance for Cardiomyopathy. Last evaluated: 2025-07-10. Review status: criteria provided, single submitter. Criteria: ACMG Guidelines, 2015. Collection method: clinical testing. Allele origin: germline.
Comment: This missense variant replaces glutamic acid with glycine at codon 2045 of the RYR2 protein. Computational prediction suggests that this variant may not impact protein structure and function. To our knowledge, functional studies have not been reported for this variant. This variant has been reported in an individual suspected of having catecholaminergic polymorphic ventricular tachycardia (PMID: 19926015). This variant has not been identified in the general population by the Genome Aggregation Database (gnomAD). The available evidence is insufficient to determine the role of this variant in disease conclusively. Therefore, this variant is classified as a Variant of Uncertain Significance.

Women's Health and Genetics/Laboratory Corporation of America, LabCorp
Classification: Uncertain significance. Last evaluated: 2021-04-06. Review status: criteria provided, single submitter. Criteria: LabCorp Variant Classification Summary - May 2015. Collection method: clinical testing. Allele origin: germline.
Comment: Variant summary: RYR2 c.6134A>G (p.Glu2045Gly) results in a non-conservative amino acid change in the encoded protein sequence. Three of five in-silico tools predict a benign effect of the variant on protein function. The variant was absent in 248958 control chromosomes (gnomAD). The available data on variant occurrences in the general population are insufficient to allow any conclusion about variant significance. c.6134A>G has been reported in the literature in individual(s) affected with Catecholaminergic Polymorphic Ventricular Tachycardia (e.g. Medeiros-Domingo_2009, Kapplinger_2018). These reports do not provide unequivocal conclusions about association of the variant with Catecholaminergic Polymorphic Ventricular Tachycardia. A co-occurrence with a likely pathogenic variant has been reported (RYR2 c.13528G>A, p.A4510T; Internal testing). To our knowledge, no experimental evidence demonstrating an impact on protein function has been reported. A ClinVar submitter (evaluation after 2014) cites the variant as uncertain significance. Based on the evidence outlined above, the variant was classified as uncertain significance.

Literature cited by the submitters: PubMed 19926015 (cited by 3 submitters); PubMed 29453246 (cited by 3 submitters); PubMed 32152366 (cited by Ambry Genetics and Women's Health and Genetics/Laboratory Corporation of America, LabCorp).